The following is an entry in ClinVar:

NM_001164508.2(NEB):c.22138del (p.Glu7380fs)

Genes: NEB (nebulin; minus strand), RIF1 (replication timing regulatory factor 1; plus strand). Cytogenetic location: 2q23.3.
Variant type: Deletion.
Coding change: c.22138del on transcript NM_001164508.2 (MANE Select); coding-DNA position 22138, one base deleted (G; older notation c.22138delG).
Protein change: p.Glu7380fs; shifts the reading frame from glutamic acid 7380.
Molecular consequence: frameshift variant.
Genome position (GRCh38, 1-based): chr2:151,525,981, C deleted on the plus strand (G on the coding strand, the reverse complement: NEB is on the minus strand); the first of 2 consecutive C bases (chr2:151,525,981-151,525,982); deleting either gives the same sequence. VCF-style (leftmost placement, unchanged base first): chr2-151525980-TC-T. GRCh37 (hg19) VCF-style: chr2-152382494-TC-T.
Other names: c.22243del (NM_001271208.1); c.22138del, p.Glu7380fs (NM_001164507.2); c.22243del, p.Glu7415fs (NM_001271208.2); c.17035del, p.Glu5679fs (NM_004543.5); short protein forms E7415fs, E5679fs, E7380fs.
Identifiers: ClinVar variation 558429 (VCV000558429.16), dbSNP rs1235589246, ClinGen allele CA537029978.

ClinVar aggregate classification (germline): Pathogenic/Likely pathogenic. Review status: criteria provided, multiple submitters, no conflicts (2 of 4 stars). 5 submissions from 5 submitters: Pathogenic (1); Likely pathogenic (3). 1 of the submissions does not count toward it. Last evaluated 2025-09-22.

Conditions:
Arthrogryposis multiplex congenita 6. Identifiers: MedGen C5543431, MONDO:0030281, OMIM 619334.
Nemaline myopathy 2 (NEM2). Also called: Nemaline myopathy 2, autosomal recessive. Identifiers: MedGen C1850569, MONDO:0009725, OMIM 256030.

Submissions (5):

Natera, Inc.
Classification: Likely pathogenic for Nemaline myopathy type 2. Last evaluated: 2025-09-22. Review status: criteria provided, single submitter. Criteria: Natera Variant Classification Schema (03/2026). Collection method: clinical testing. Allele origin: germline.
Comment: The c.22243delG variant in NEB is a frameshift variant predicted to shift the reading frame beginning at codon 7415 and leads to a stop codon 2 codons downstream. This variant is expected to result in nonsense mediated decay, truncation, or a dysfunctional protein product. This variant is rare in the general population with a frequency below the threshold expected for the associated phenotype(s). Given the available evidence, this variant is classified as Likely Pathogenic.

Revvity Omics, Revvity
Classification: Likely pathogenic. Last evaluated: 2024-04-24. Review status: criteria provided, single submitter. Criteria: ACMG Guidelines, 2015. Collection method: clinical testing. Allele origin: germline.

Labcorp Genetics (formerly Invitae), Labcorp
Classification: Pathogenic for Nemaline myopathy 2. Last evaluated: 2024-01-28. Review status: criteria provided, single submitter. Criteria: Invitae Variant Classification Sherloc (09022015). Collection method: clinical testing. Allele origin: germline.
Comment: This sequence change creates a premature translational stop signal (p.Glu7415Lysfs*2) in the NEB gene. It is expected to result in an absent or disrupted protein product. Loss-of-function variants in NEB are known to be pathogenic (PMID: 25205138). This variant is present in population databases (no rsID available, gnomAD 0.0009%). This variant has not been reported in the literature in individuals affected with NEB-related conditions. ClinVar contains an entry for this variant (Variation ID: 558429). For these reasons, this variant has been classified as Pathogenic.

Baylor Genetics
Classification: Likely pathogenic for Arthrogryposis multiplex congenita 6. Last evaluated: 2023-05-29. Review status: criteria provided, single submitter. Criteria: ACMG Guidelines, 2015. Collection method: clinical testing. Allele origin: unknown.

Counsyl
Classification: Likely pathogenic for Nemaline myopathy 2. Last evaluated: 2018-05-22. Review status: no assertion criteria provided. Collection method: clinical testing. Allele origin: unknown. Not counted in ClinVar's aggregate classification.

Literature cited by the submitters: PubMed 25205138 (cited by Labcorp Genetics (formerly Invitae), Labcorp).